The following is an entry in ClinVar:

ClinVar aggregate classification (germline): Uncertain significance. Review status: criteria provided, multiple submitters, no conflicts (2 of 4 stars). 6 submissions from 6 submitters: Uncertain significance (6). Last evaluated 2026-04-22.

Conditions:
Charcot-Marie-Tooth disease type 2. Also called: Charcot-Marie-Tooth type 2. Identifiers: Orphanet 64746, MedGen C0270914, MONDO:0018993.
Cardiomyopathy (CMYO). Also called: Cardiomyopathies. Identifiers: Orphanet 167848, MedGen C0878544, MONDO:0004994, HP:0001638. Inheritance: Various modes of inheritance.
Cardiovascular phenotype. Identifiers: MedGen CN230736.
Primary dilated cardiomyopathy (DCM). Also called: Dilated Cardiomyopathy. Identifiers: Orphanet 217604, MedGen C0007193, MeSH D002311, MONDO:0005021, HP:0001644. Inheritance: Various modes of inheritance.
Congenital muscular dystrophy due to LMNA mutation. Also called: Congenital muscular dystrophy, LMNA-related; Lamin A-related Congenital Muscular Dystrophy. Identifiers: Orphanet 157973, MedGen C2750785, MONDO:0013178, OMIM 613205.

Allele frequency attached by ClinVar (database versions not stated): gnomAD exomes below 0.00001 and 0.00001; TOPMed below 0.00001; ExAC 0.00001.
gnomAD v4.1: 8 of 1,612,784 alleles (0.0005%); highest among the groups gnomAD compares: Non-Finnish European, 0.00059%; no homozygotes.

Submissions (6):

Ambry Genetics
Classification: Uncertain significance for Cardiovascular phenotype. Last evaluated: 2026-04-22. Review status: criteria provided, single submitter. Criteria: Ambry Variant Classification Scheme 2023. Collection method: clinical testing. Allele origin: germline.
Comment: The c.1531G>A (p.D511N) alteration is located in exon 9 (coding exon 9) of the LMNA gene. This alteration results from a G to A substitution at nucleotide position 1531, causing the aspartic acid (D) at amino acid position 511 to be replaced by an asparagine (N). Based on data from gnomAD, the A allele has an overall frequency of <0.001% (1/246272) total alleles studied. The highest observed frequency was 0.001% (1/111100) of European (non-Finnish) alleles. Based on insufficient or conflicting evidence, the clinical significance of this alteration remains unclear.

Labcorp Genetics (formerly Invitae), Labcorp
Classification: Uncertain significance for Charcot-Marie-Tooth disease type 2. Last evaluated: 2026-01-27. Review status: criteria provided, single submitter. Criteria: Invitae Variant Classification Sherloc (09022015). Collection method: clinical testing. Allele origin: germline.
Comment: This sequence change replaces aspartic acid, which is acidic and polar, with asparagine, which is neutral and polar, at codon 511 of the LMNA protein (p.Asp511Asn). This variant is not present in population databases (gnomAD no frequency). This variant has not been reported in the literature in individuals affected with LMNA-related conditions. ClinVar contains an entry for this variant (Variation ID: 543245). Invitae Evidence Modeling of protein sequence and biophysical properties (such as structural, functional, and spatial information, amino acid conservation, physicochemical variation, residue mobility, and thermodynamic stability) indicates that this missense variant is expected to disrupt LMNA protein function with a positive predictive value of 95%. In summary, the available evidence is currently insufficient to determine the role of this variant in disease. Therefore, it has been classified as a Variant of Uncertain Significance.

Color Diagnostics, LLC DBA Color Health
Classification: Uncertain significance for Cardiomyopathy. Last evaluated: 2025-08-04. Review status: criteria provided, single submitter. Criteria: ACMG Guidelines, 2015. Collection method: clinical testing. Allele origin: germline.
Comment: This missense variant replaces aspartic acid with asparagine at codon 511 of the LMNA protein. Computational prediction is inconclusive regarding the impact of this variant on protein structure and function. To our knowledge, functional studies have not been reported for this variant. This variant has not been reported in individuals affected with LMNA-related disorders in the literature. This variant has been identified in 1/246272 chromosomes in the general population by the Genome Aggregation Database (gnomAD). The available evidence is insufficient to determine the role of this variant in disease conclusively. Therefore, this variant is classified as a Variant of Uncertain Significance.

All of Us Research Program, National Institutes of Health
Classification: Uncertain significance for Primary dilated cardiomyopathy. Last evaluated: 2024-08-06. Review status: criteria provided, single submitter. Criteria: ACMG Guidelines, 2015. Collection method: clinical testing. Allele origin: germline. Inheritance: Autosomal dominant inheritance. Observed: 6 variant alleles, 6 heterozygotes.
Comment: This missense variant replaces aspartic acid with asparagine at codon 511 of the lamin A/C proteins. Computational prediction is inconclusive regarding the impact of this variant on protein structure and function (internally defined REVEL score threshold 0.5 < inconclusive < 0.7, PMID: 27666373). To our knowledge, functional studies have not been reported for this variant. This variant has not been reported in individuals affected with cardiovascular disorders in the literature. This variant has been identified in 1/246272 chromosomes in the general population by the Genome Aggregation Database (gnomAD). The available evidence is insufficient to determine the role of this variant in disease conclusively. Therefore, this variant is classified as a Variant of Uncertain Significance.

This study involves interpretation of variants in research participants for the purpose of population health screening. Participant phenotype was not available at the time of variant classification. Additional details can be found in publication PMID: 35346344, PMCID: PMC8962531

Kariminejad - Najmabadi Pathology & Genetics Center
Classification: Uncertain significance for Congenital muscular dystrophy due to LMNA mutation. Last evaluated: 2024-03-03. Review status: criteria provided, single submitter. Criteria: ACMG Guidelines, 2015. Collection method: clinical testing. Allele origin: germline. Inheritance: Autosomal dominant inheritance. Affected: yes.
Comment: PM1_supporting,PM2_moderate,PP3_supporting,PS3_supporting?,(PP2?)

Blueprint Genetics
Classification: Uncertain significance. Last evaluated: 2024-02-28. Review status: criteria provided, single submitter. Criteria: ACMG Guidelines, 2015. Collection method: clinical testing. Allele origin: germline.

NM_170707.4(LMNA):c.1531G>A (p.Asp511Asn)

Gene: LMNA (lamin A/C; plus strand). Cytogenetic location: 1q22.
Variant type: single nucleotide variant.
Coding change: c.1531G>A on transcript NM_170707.4 (MANE Select); coding-DNA position 1531, G replaced by A.
Protein change: p.Asp511Asn; replaces aspartic acid 511 with asparagine.
Molecular consequence: missense variant.
Genome position (GRCh38, 1-based): chr1:156,137,155, G>A. VCF-style: chr1-156137155-G-A. GRCh37 (hg19) VCF-style: chr1-156106946-G-A.
Other names: c.1195G>A, p.Asp399Asn (NM_001257374.3); c.1288G>A, p.Asp430Asn (NM_001282624.2); c.1531G>A, p.Asp511Asn (NM_001282625.2, NM_001282626.2, NM_005572.4 and 1 more transcripts); short protein forms D511N, D399N, D430N.
Identifiers: ClinVar variation 543245 (VCV000543245.21), dbSNP rs759408439, ClinGen allele CA050598.